The following is an entry in ClinVar:

ClinVar aggregate classification (germline): Conflicting classifications of pathogenicity. Review status: criteria provided, conflicting classifications (1 of 4 stars). 8 submissions from 8 submitters: Uncertain significance (2); Likely benign (2). 4 of the submissions do not count toward it. Last evaluated 2026-02-02.

Conditions:
SERPINA1-related disorder. Also called: SerpinA1-related disorders; SERPINA1-related condition.
Alpha-1-antitrypsin deficiency (A1ATD). Also called: AAT deficiency; A1AT deficiency; Alpha1-Antitrypsin Deficiency. Identifiers: Orphanet 60, MedGen C0221757, MONDO:0013282, OMIM 613490.
PI CHRISTCHURCH.

Allele frequency attached by ClinVar (database versions not stated): TOPMed 0.00012; ExAC 0.00029; gnomAD 0.00033 and 0.00042; gnomAD exomes 0.00039; 1000 Genomes Project 0.00180; 1000 Genomes Project 30x 0.00187.
gnomAD v4.1: 248 of 1,613,770 alleles (0.015%); highest among the groups gnomAD compares: East Asian, 0.091%; 1 homozygote.

Submissions (8):

Labcorp Genetics (formerly Invitae), Labcorp
Classification: Likely benign for Alpha-1-antitrypsin deficiency. Last evaluated: 2026-02-02. Review status: criteria provided, single submitter. Criteria: Invitae Variant Classification Sherloc (09022015). Collection method: clinical testing. Allele origin: germline.

Blueprint Genetics
Classification: Likely benign. Last evaluated: 2024-11-20. Review status: criteria provided, single submitter. Criteria: ACMG Guidelines, 2015. Collection method: clinical testing. Allele origin: germline.

Eurofins Ntd Llc (ga)
Classification: Uncertain significance. Last evaluated: 2017-05-19. Review status: criteria provided, single submitter. Criteria: EGL Classification Definitions 2015. Collection method: clinical testing. Allele origin: germline. Observed: 4 variant alleles, 4 heterozygotes.

Illumina Laboratory Services, Illumina
Classification: Uncertain significance for Alpha-1-antitrypsin deficiency. Last evaluated: 2017-04-27. Review status: criteria provided, single submitter. Criteria: ICSL Variant Classification Criteria 13 December 2019. Collection method: clinical testing. Allele origin: germline.

PreventionGenetics, part of Exact Sciences
Classification: Likely benign for SERPINA1-related condition. Last evaluated: 2021-04-30. Review status: no assertion criteria provided. Collection method: clinical testing. Allele origin: germline. Not counted in ClinVar's aggregate classification.
Comment: This variant is classified as likely benign based on ACMG/AMP sequence variant interpretation guidelines (Richards et al. 2015 PMID: 25741868, with internal and published modifications).

OMIM
Classification: other for PI CHRISTCHURCH. Last evaluated: 2016-07-15. Review status: no assertion criteria provided. Collection method: literature only. Allele origin: germline. Not counted in ClinVar's aggregate classification.

Department of Laboratory Medicine and Genetics, Trillium Health Partners Credit Valley Hospital
Classification: Benign for Alpha-1-antitrypsin deficiency. Last evaluated: 2014-12-08. Review status: no assertion criteria provided. Collection method: curation. Allele origin: germline. Affected: yes. Not counted in ClinVar's aggregate classification.

GeneReviews
Classification: Benign for Alpha-1-antitrypsin deficiency. Last evaluated: 2014-05-01. Review status: no assertion criteria provided. Collection method: literature only. Allele origin: germline. Affected: yes. Not counted in ClinVar's aggregate classification.

Literature cited by the submitters: PubMed 3527273 (cited by OMIM); PubMed 2696185 (cited by OMIM); PubMed 14985567 (cited by GeneReviews).

NM_001127701.1(SERPINA1):c.1159G>A (p.Glu387Lys)

Gene: SERPINA1 (serpin family A member 1; minus strand). Cytogenetic location: 14q32.13.
Variant type: single nucleotide variant.
Coding change: c.1159G>A on transcript NM_001127701.1; coding-DNA position 1159, G replaced by A.
Protein change: p.Glu387Lys; replaces glutamic acid 387 with lysine.
Molecular consequence: missense variant (on NM_000295.5).
Genome position (GRCh38, 1-based): chr14:94,378,547, C>T on the plus strand (G>A on the coding strand, the complement: SERPINA1 is on the minus strand). VCF-style: chr14-94378547-C-T. GRCh37 (hg19) VCF-style: chr14-94844884-C-T.
Other names: E363K; Xchristchurch; c.1159G>A, p.Glu387Lys (NM_000295.5, NM_001002235.3, NM_001002236.3 and 8 more transcripts); short protein forms E387K.
Identifiers: ClinVar variation 17964 (VCV000017964.24), dbSNP rs121912712, ClinGen allele CA127650.